The following is an entry in ClinVar:

NM_198859.4(PRICKLE2):c.1876A>C (p.Asn626His)

Genes: PRICKLE2-AS1 (PRICKLE2 antisense RNA 1; plus strand), PRICKLE2 (prickle planar cell polarity protein 2; minus strand). Cytogenetic location: 3p14.1.
Variant type: single nucleotide variant.
Coding change: c.1876A>C on transcript NM_198859.4 (MANE Select); coding-DNA position 1876, A replaced by C.
Protein change: p.Asn626His; replaces asparagine 626 with histidine.
Molecular consequence: missense variant. On other transcripts: non-coding transcript variant (1).
Genome position (GRCh38, 1-based): chr3:64,099,710, T>G on the plus strand (A>C on the coding strand, the complement: PRICKLE2 is on the minus strand). VCF-style: chr3-64099710-T-G. GRCh37 (hg19) VCF-style: chr3-64085386-T-G.
Other names: c.1876A>C, p.Asn626His (NM_001370528.1); short protein forms N626H.
Identifiers: ClinVar variation 849852 (VCV000849852.8), dbSNP rs1227637171, ClinGen allele CA353427583.

ClinVar aggregate classification (germline): Uncertain significance. Review status: criteria provided, multiple submitters, no conflicts (2 of 4 stars). 2 submissions from 2 submitters: Uncertain significance (2). Last evaluated 2025-08-29.

Conditions:
Progressive myoclonic epilepsy type 5. Identifiers: Orphanet 402082, MedGen C5190799.

Allele frequency attached by ClinVar (database versions not stated): gnomAD 0.00001; gnomAD exomes 0.00001; TOPMed 0.00001.
gnomAD v4.1: 5 of 1,614,088 alleles (0.00031%); highest among the groups gnomAD compares: Admixed American, 0.0083%; no homozygotes.

Submissions (2):

Ambry Genetics
Classification: Uncertain significance. Last evaluated: 2025-08-29. Review status: criteria provided, single submitter. Criteria: Ambry Variant Classification Scheme 2023. Collection method: clinical testing. Allele origin: germline.

Labcorp Genetics (formerly Invitae), Labcorp
Classification: Uncertain significance for Progressive myoclonic epilepsy type 5. Last evaluated: 2023-02-11. Review status: criteria provided, single submitter. Criteria: Invitae Variant Classification Sherloc (09022015). Collection method: clinical testing. Allele origin: germline.
Comment: ClinVar contains an entry for this variant (Variation ID: 849852). This variant has not been reported in the literature in individuals affected with PRICKLE2-related conditions. This variant is present in population databases (no rsID available, gnomAD 0.006%). This sequence change replaces asparagine, which is neutral and polar, with histidine, which is basic and polar, at codon 626 of the PRICKLE2 protein (p.Asn626His). Algorithms developed to predict the effect of missense changes on protein structure and function (SIFT, PolyPhen-2, Align-GVGD) all suggest that this variant is likely to be tolerated. In summary, the available evidence is currently insufficient to determine the role of this variant in disease. Therefore, it has been classified as a Variant of Uncertain Significance.